The following is an entry in ClinVar:

ClinVar aggregate classification (germline): Conflicting classifications of pathogenicity. Review status: criteria provided, conflicting classifications (1 of 4 stars). 5 submissions from 5 submitters: Uncertain significance (1); Benign (3); Likely benign (1). Last evaluated 2026-02-03.

Conditions:
Hemochromatosis type 1 (HFE1). Also called: HFE-Associated Hereditary Hemochromatosis; HFE-Related Hemochromatosis. Identifiers: Orphanet 465508, MedGen C3469186, MONDO:0021001, OMIM 235200. Disease mechanism: loss of function.
Hereditary hemochromatosis (HFE). Identifiers: MedGen C0392514, MONDO:0006507. Disease mechanism: loss of function.

Allele frequency attached by ClinVar (database versions not stated): gnomAD exomes 0.00055 and 0.00136; ExAC 0.00149; 1000 Genomes Project 0.00439; gnomAD 0.00479 and 0.00515; 1000 Genomes Project 30x 0.00484; ESP Exome Variant Server 0.00507; TOPMed 0.00557.
gnomAD v4.1: 1,575 of 1,613,918 alleles (0.098%); highest among the groups gnomAD compares: African/African-American, 1.5%; 12 homozygotes.

Submissions (5):

Labcorp Genetics (formerly Invitae), Labcorp
Classification: Benign for Hereditary hemochromatosis. Last evaluated: 2026-02-03. Review status: criteria provided, single submitter. Criteria: Invitae Variant Classification Sherloc (09022015). Collection method: clinical testing. Allele origin: germline.

Mayo Clinic Laboratories, Mayo Clinic
Classification: Benign. Last evaluated: 2025-06-10. Review status: criteria provided, single submitter. Criteria: ACMG Guidelines, 2015. Collection method: clinical testing. Allele origin: germline. Observed: 3 variant alleles.
Comment: BA1, BP4, BP7

Blueprint Genetics
Classification: Likely benign. Last evaluated: 2024-11-11. Review status: criteria provided, single submitter. Criteria: ACMG Guidelines, 2015. Collection method: clinical testing. Allele origin: germline.

GeneDx
Classification: Benign. Last evaluated: 2018-11-28. Review status: criteria provided, single submitter. Criteria: GeneDx Variant Classification Process June 2021. Collection method: clinical testing. Allele origin: germline. Affected: yes.

Illumina Laboratory Services, Illumina
Classification: Uncertain significance for Hemochromatosis type 1. Last evaluated: 2017-04-27. Review status: criteria provided, single submitter. Criteria: ICSL Variant Classification Criteria 13 December 2019. Collection method: clinical testing. Allele origin: germline.

NM_000410.4(HFE):c.1026C>T (p.Tyr342=)

Gene: HFE (homeostatic iron regulator; plus strand). Cytogenetic location: 6p22.2.
Variant type: single nucleotide variant.
Coding change: c.1026C>T on transcript NM_000410.4 (MANE Select); coding-DNA position 1026, C replaced by T.
Protein change: p.Tyr342=; no amino-acid change (tyrosine 342 retained).
Molecular consequence: synonymous variant. On other transcripts: intron variant (2).
Genome position (GRCh38, 1-based): chr6:26,094,205, C>T. VCF-style: chr6-26094205-C-T. GRCh37 (hg19) VCF-style: chr6-26094433-C-T.
Other names: p.Tyr342=; c.1026C>T, p.Tyr342= (NM_001384164.1); c.1017C>T, p.Tyr339= (NM_001406751.1); c.708C>T, p.Tyr236= (NM_139003.3); c.750C>T, p.Tyr250= (NM_139004.3); c.984C>T, p.Tyr328= (NM_139006.3); c.762C>T, p.Tyr254= (NM_139007.3); c.720C>T, p.Tyr240= (NM_139008.3); and 5 more.
Identifiers: ClinVar variation 237780 (VCV000237780.19), dbSNP rs35201683, ClinGen allele CA3666817.